The following is an entry in ClinVar:

NM_015354.3(NUP188):c.2935C>T (p.Leu979=)

Gene: NUP188 (nucleoporin 188; plus strand). Cytogenetic location: 9q34.11.
Variant type: single nucleotide variant.
Coding change: c.2935C>T on transcript NM_015354.3 (MANE Select); coding-DNA position 2935, C replaced by T.
Protein change: p.Leu979=; no amino-acid change (leucine 979 retained).
Molecular consequence: synonymous variant.
Genome position (GRCh38, 1-based): chr9:128,993,612, C>T. VCF-style: chr9-128993612-C-T. GRCh37 (hg19) VCF-style: chr9-131755891-C-T.
Identifiers: ClinVar variation 3037943 (VCV003037943.2), dbSNP rs17485583, ClinGen allele CA5272799.

ClinVar aggregate classification (germline): Benign (0 of 4 stars; one submission).

Conditions:
NUP188-related disorder. Also called: NUP188-related condition.

Allele frequency attached by ClinVar (database versions not stated): gnomAD 0.03111; 1000 Genomes Project 0.03375; 1000 Genomes Project 30x 0.03389; TOPMed 0.03497; ESP Exome Variant Server 0.03521.
gnomAD v4.1: 9,603 of 1,614,184 alleles (0.59%); highest among the groups gnomAD compares: African/African-American, 11%; 458 homozygotes.

Submission:

PreventionGenetics, part of Exact Sciences
Classification: Benign for NUP188-related condition. Last evaluated: 2019-03-25. Review status: no assertion criteria provided. Collection method: clinical testing. Allele origin: germline.
Comment: This variant is classified as benign based on ACMG/AMP sequence variant interpretation guidelines (Richards et al. 2015 PMID: 25741868, with internal and published modifications).